The following is an entry in ClinVar:

ClinVar aggregate classification (germline): Uncertain significance. Review status: criteria provided, multiple submitters, no conflicts (2 of 4 stars). 2 submissions from 2 submitters: Uncertain significance (2). Last evaluated 2024-06-16.

gnomAD v4.1: 1 of 1,614,182 alleles (0.000062%); highest among the groups gnomAD compares: Non-Finnish European, 0.000085%; no homozygotes.

Submissions (2):

Ambry Genetics
Classification: Uncertain significance. Last evaluated: 2024-06-16. Review status: criteria provided, single submitter. Criteria: Ambry Variant Classification Scheme 2023. Collection method: clinical testing. Allele origin: germline.
Comment: The p.L1701M variant (also known as c.5101C>A), located in coding exon 44 of the KIF1B gene, results from a C to A substitution at nucleotide position 5101. The leucine at codon 1701 is replaced by methionine, an amino acid with highly similar properties. This amino acid position is conserved. In addition, the in silico prediction for this alteration is inconclusive. Based on the available evidence, the clinical significance of this variant remains unclear.

ARUP Laboratories, Molecular Genetics and Genomics, ARUP Laboratories
Classification: Uncertain significance. Last evaluated: 2024-03-01. Review status: criteria provided, single submitter. Criteria: ARUP Molecular Germline Variant Investigation Process 2024. Collection method: clinical testing. Allele origin: germline.
Comment: The KIF1B c.5101C>A; p.Leu1701Met variant, to our knowledge, is not reported in the medical literature or gene specific databases. This variant is also absent from the Genome Aggregation Database (v2.1.1), indicating it is not a common polymorphism. Computational analyses are uncertain whether this variant is neutral or deleterious (REVEL: 0.378). Due to limited information, the clinical significance of this variant is uncertain at this time.

NM_001365951.3(KIF1B):c.5239C>A (p.Leu1747Met)

Gene: KIF1B (kinesin family member 1B; plus strand). Cytogenetic location: 1p36.22.
Variant type: single nucleotide variant.
Coding change: c.5239C>A on transcript NM_001365951.3 (MANE Select); coding-DNA position 5239, C replaced by A.
Protein change: p.Leu1747Met; replaces leucine 1747 with methionine.
Molecular consequence: missense variant.
Genome position (GRCh38, 1-based): chr1:10,374,996, C>A. VCF-style: chr1-10374996-C-A. GRCh37 (hg19) VCF-style: chr1-10435054-C-A.
Other names: c.5239C>A, p.Leu1747Met (NM_001365952.1); c.5101C>A, p.Leu1701Met (NM_015074.3); short protein forms L1747M, L1701M.
Identifiers: ClinVar variation 3288356 (VCV003288356.2).